The following is an entry in ClinVar:

ClinVar aggregate classification (germline): Uncertain significance (1 of 4 stars; one submission).

Allele frequency attached by ClinVar (database versions not stated): TOPMed below 0.00001; gnomAD 0.00001; gnomAD exomes 0.00001.
gnomAD v4.1: 7 of 1,613,722 alleles (0.00043%); highest among the groups gnomAD compares: South Asian, 0.0011%; no homozygotes.

Submission:

Labcorp Genetics (formerly Invitae), Labcorp
Classification: Uncertain significance. Last evaluated: 2022-07-12. Review status: criteria provided, single submitter. Criteria: Invitae Variant Classification Sherloc (09022015). Collection method: clinical testing. Allele origin: germline.
Comment: This sequence change replaces glutamine, which is neutral and polar, with proline, which is neutral and non-polar, at codon 608 of the MERTK protein (p.Gln608Pro). This variant is present in population databases (no rsID available, gnomAD 0.002%). This variant has not been reported in the literature in individuals affected with MERTK-related conditions. ClinVar contains an entry for this variant (Variation ID: 971856). Algorithms developed to predict the effect of missense changes on protein structure and function are either unavailable or do not agree on the potential impact of this missense change (SIFT: "Deleterious"; PolyPhen-2: "Possibly Damaging"; Align-GVGD: "Class C0"). In summary, the available evidence is currently insufficient to determine the role of this variant in disease. Therefore, it has been classified as a Variant of Uncertain Significance.

NM_006343.3(MERTK):c.1823A>C (p.Gln608Pro)

Gene: MERTK (MER proto-oncogene, tyrosine kinase; plus strand). Cytogenetic location: 2q13.
Variant type: single nucleotide variant.
Coding change: c.1823A>C on transcript NM_006343.3 (MANE Select); coding-DNA position 1823, A replaced by C.
Protein change: p.Gln608Pro; replaces glutamine 608 with proline.
Molecular consequence: missense variant.
Genome position (GRCh38, 1-based): chr2:112,003,940, A>C. VCF-style: chr2-112003940-A-C. GRCh37 (hg19) VCF-style: chr2-112761517-A-C.
Other names: short protein forms Q608P.
Identifiers: ClinVar variation 971856 (VCV000971856.8), dbSNP rs1192864020, ClinGen allele CA348232857.
Genomic context (GRCh38, chr2:112,003,940, plus strand): 5'-TACAGGTGTTCTTTCACTTCACAGGAGAGTTTGGGTCTGTAATGGAAGGAAATCTTAAGC[A>C]GGAAGATGGGACCTCTCTGAAAGTGGCAGTGAAGACCATGAAGTGTGAGTTATCAGTGAT-3'
Protein context (NP_006334.2, residues 598-618): FGSVMEGNLK[Gln608Pro]EDGTSLKVAV